The following is an entry in ClinVar:

ClinVar aggregate classification (germline): Benign. Review status: criteria provided, multiple submitters, no conflicts (2 of 4 stars). 3 submissions from 3 submitters: Benign (3). Last evaluated 2026-01-18.

Conditions:
Focal segmental glomerulosclerosis 3, susceptibility to (FSGS3). Identifiers: Orphanet 656, MedGen C1842982, MONDO:0011917, OMIM 607832.

Allele frequency attached by ClinVar (database versions not stated): ESP Exome Variant Server 0.00015; gnomAD 0.00230; TOPMed 0.00264; 1000 Genomes Project 30x 0.00765; 1000 Genomes Project 0.00839.
gnomAD v4.1: 2,752 of 1,311,452 alleles (0.21%); highest among the groups gnomAD compares: East Asian, 5.1%; 64 homozygotes.

Submissions (4):

Labcorp Genetics (formerly Invitae), Labcorp
Classification: Benign. Last evaluated: 2026-01-18. Review status: criteria provided, single submitter. Criteria: Invitae Variant Classification Sherloc (09022015). Collection method: clinical testing. Allele origin: germline.

Illumina Laboratory Services, Illumina
Classification: Benign for Focal segmental glomerulosclerosis 3, susceptibility to. Last evaluated: 2018-01-12. Review status: criteria provided, single submitter. Criteria: ICSL Variant Classification Criteria 13 December 2019. Collection method: clinical testing. Allele origin: germline.
Comment: This variant was observed in the ICSL laboratory as part of a predisposition screen in an ostensibly healthy population. It had not been previously curated by ICSL or reported in the Human Gene Mutation Database (HGMD: prior to June 1st, 2018), and was therefore a candidate for classification through an automated scoring system. Utilizing variant allele frequency, disease prevalence and penetrance estimates, and inheritance mode, an automated score was calculated to assess if this variant is too frequent to cause the disease. Based on the score and internal cut-off values, a variant classified as benign is not then subjected to further curation. The score for this variant resulted in a classification of benign for this disease.

PreventionGenetics, part of Exact Sciences
Classification: Benign. Review status: criteria provided, single submitter. Criteria: ACMG Guidelines, 2015. Collection method: clinical testing. Allele origin: germline.

Dr. Peter K. Rogan Lab, Western University
No classification provided (evidence only). Condition: Hepatocellular carcinoma. Review status: no classification provided. Collection method: in vitro. Allele origin: not applicable. Functional consequence: retained intron. Not counted in ClinVar's aggregate classification.

NM_012120.3(CD2AP):c.809-11C>A

Gene: CD2AP (CD2 associated protein; plus strand). Cytogenetic location: 6p12.3.
Variant type: single nucleotide variant.
Coding change: c.809-11C>A on transcript NM_012120.3 (MANE Select); 11 bases into the intron before coding-DNA position 809, C replaced by A.
Molecular consequence: intron variant.
Genome position (GRCh38, 1-based): chr6:47,576,998, C>A. VCF-style: chr6-47576998-C-A. GRCh37 (hg19) VCF-style: chr6-47544734-C-A.
Identifiers: ClinVar variation 260193 (VCV000260193.17), dbSNP rs76153148, ClinGen allele CA3844116.
Genomic context (GRCh38, chr6:47,576,998, plus strand): 5'-TAGAGGCTAAATAAGTATTTGTTGAATGAATCCATTTGTGTGAGCCACATTATTTACATT[C>A]TTTATTTCAGCTAAAGAATATTGTAGAACATTATTTGCCTATGAAGGTACTAATGAAGAT-3'